The following is an entry in ClinVar:

ClinVar aggregate classification (germline): Pathogenic. Review status: reviewed by expert panel (3 of 4 stars). 2 submissions from 2 submitters: Pathogenic (1). 1 of the submissions does not count toward it. Last evaluated 2017-12-15.

Conditions:
Hereditary breast ovarian cancer syndrome. Also called: Hereditary breast and ovarian cancer syndrome; Hereditary breast and/or ovarian cancer syndrome; BRCA1- and BRCA2-Associated Hereditary Breast and Ovarian Cancer; Hereditary breast and ovarian cancer syndrome (HBOC); Hereditary breast and ovarian cancer; Breast and ovarian cancer. Identifiers: Orphanet 145, MedGen C0677776, MeSH D061325, MONDO:0003582. Disease mechanism: loss of function.
Breast-ovarian cancer, familial, susceptibility to, 2 (BROVCA2). Also called: BRCA2 Hereditary Breast and Ovarian Cancer. Identifiers: Orphanet 145, MedGen C2675520, MONDO:0012933, OMIM 612555. Disease mechanism: loss of function.

Submissions (2):

Evidence-based Network for the Interpretation of Germline Mutant Alleles (ENIGMA)
Classification: Pathogenic for Breast-ovarian cancer, familial, susceptibility to, 2. Last evaluated: 2017-12-15. Review status: reviewed by expert panel. Criteria: ENIGMA BRCA1/2 Classification Criteria (2017-06-29). Collection method: curation. Allele origin: germline. Study: ENIGMA.
Comment: Variant allele predicted to encode a truncated non-functional protein.

Labcorp Genetics (formerly Invitae), Labcorp
Classification: Pathogenic for Hereditary breast ovarian cancer syndrome. Last evaluated: 2016-07-22. Review status: criteria provided, single submitter. Criteria: Invitae Variant Classification Sherloc (09022015). Collection method: clinical testing. Allele origin: germline. Not counted in ClinVar's aggregate classification.
Comment: For these reasons, this variant has been classified as Pathogenic. While this particular variant has not been reported in the literature, truncating variants in BRCA2 are known to be pathogenic (PMID: 20104584). This sequence change inserts 1 nucleotide in exon 19 of the BRCA2 mRNA (c.8426dupT), causing a frameshift at codon 2810. This creates a premature translational stop signal (p.Ser2810Glnfs*2) and is expected to result in an absent or disrupted protein product.

Literature cited by the submitters: PubMed 20104584 (cited by Labcorp Genetics (formerly Invitae), Labcorp).

NM_000059.4(BRCA2):c.8426dup (p.Ser2810fs)

Gene: BRCA2 (BRCA2 DNA repair associated; plus strand). Cytogenetic location: 13q13.1.
Variant type: Duplication.
Coding change: c.8426dup on transcript NM_000059.4 (MANE Select); coding-DNA position 8426, one base duplicated (T; older notation c.8426dupT).
Protein change: p.Ser2810fs; shifts the reading frame from serine 2810.
Molecular consequence: frameshift variant.
Genome position (GRCh38, 1-based): chr13:32,370,496, T duplicated; the last of 4 consecutive T bases (chr13:32,370,493-32,370,496); duplicating any one gives the same sequence. VCF-style (leftmost placement, unchanged base first): chr13-32370492-C-CT. GRCh37 (hg19) VCF-style: chr13-32944629-C-CT.
Other names: c.8426dupT (NM_000059.3); short protein forms S2810fs.
Identifiers: ClinVar variation 409460 (VCV000409460.9), dbSNP rs1555287643, ClinGen allele CA16613965.
Genomic context (GRCh38, chr13:32,370,492, plus strand): 5'-TGGTATACCAAACTTGGATTCTTTCCTGACCCTAGACCTTTTCCTCTGCCCTTATCATCG[C>CT]TTTTCAGTGATGGAGGAAATGTTGGTTGTGTTGATGTAATTATTCAAAGAGCATACCCTA-3'